The following is an entry in ClinVar:

ClinVar aggregate classification (germline): Likely pathogenic (1 of 4 stars; one submission).

Conditions:
Familial hemophagocytic lymphohistiocytosis (FHL). Also called: Familial erythrophagocytic lymphohistiocytosis; Familial histiocytic reticulosis; Hereditary hemophagocytic lymphohistiocytosis. Identifiers: Orphanet 158038, Orphanet 540, MedGen C0272199, MONDO:0015541.

Submission:

Women's Health and Genetics/Laboratory Corporation of America, LabCorp
Classification: Likely pathogenic for Familial hemophagocytic lymphohistiocytosis. Last evaluated: 2022-04-19. Review status: criteria provided, single submitter. Criteria: LabCorp Variant Classification Summary - May 2015. Collection method: clinical testing. Allele origin: germline.
Comment: Variant summary: PRF1 c.1183T>C (p.Cys395Arg) results in a non-conservative amino acid change located in the Perforin-1, C2 domain (IPR037300) of the encoded protein sequence. Five of five in-silico tools predict a damaging effect of the variant on protein function. The variant was absent in 248192 control chromosomes (gnomAD). c.1183T>C has been reported in the literature in at least homozygous individual affected with Familial Hemophagocytic Lymphohistiocytosis (Mhatre_2015). This data indicates that the variant may be associated with disease. Functional analysis on NK and Tc cells from the same homozygous patient showed that the perforin protein was not identifiable using anti-PRF1 antibodies (0% staining on both cell types) and NK cells had no cellular activity in vitro (0% cytotoxicity and granule release, Mhatre_2015). The cysteine residue at position 396 creates disulfide bridges with cysteines at position 381, therefore the substitution of Cysteine 395 is expected to alter protein structure and stability. No clinical diagnostic laboratories have submitted clinical-significance assessments for this variant to ClinVar after 2014. Based on the evidence outlined above, the variant was classified as likely pathogenic.

Literature cited by the submitters: PubMed 25577959.

NM_001083116.3(PRF1):c.1183T>C (p.Cys395Arg)

Gene: PRF1 (perforin 1; minus strand). Cytogenetic location: 10q22.1.
Variant type: single nucleotide variant.
Coding change: c.1183T>C on transcript NM_001083116.3 (MANE Select); coding-DNA position 1183, T replaced by C.
Protein change: p.Cys395Arg; replaces cysteine 395 with arginine.
Molecular consequence: missense variant.
Genome position (GRCh38, 1-based): chr10:70,598,538, A>G on the plus strand (T>C on the coding strand, the complement: PRF1 is on the minus strand). VCF-style: chr10-70598538-A-G. GRCh37 (hg19) VCF-style: chr10-72358294-A-G.
Other names: c.1183T>C, p.Cys395Arg (NM_005041.6); short protein forms C395R.
Identifiers: ClinVar variation 1683276 (VCV001683276.1), dbSNP rs2132475562, ClinGen allele CA376956802.